The following is an entry in ClinVar:

NM_145239.3(PRRT2):c.319G>A (p.Glu107Lys)

Genes: MVP-DT (MVP divergent transcript; minus strand), PRRT2 (proline rich transmembrane protein 2; plus strand). Cytogenetic location: 16p11.2.
Variant type: single nucleotide variant.
Coding change: c.319G>A on transcript NM_145239.3 (MANE Select); coding-DNA position 319, G replaced by A.
Protein change: p.Glu107Lys; replaces glutamic acid 107 with lysine.
Molecular consequence: missense variant.
Genome position (GRCh38, 1-based): chr16:29,813,373, G>A. VCF-style: chr16-29813373-G-A. GRCh37 (hg19) VCF-style: chr16-29824694-G-A.
Other names: c.319G>A, p.Glu107Lys (NM_001256442.2, NM_001256443.2); short protein forms E107K.
Identifiers: ClinVar variation 1718129 (VCV001718129.7), dbSNP rs2543332645, ClinGen allele CA395478171.
Genomic context (GRCh38, chr16:29,813,373, plus strand): 5'-CTCAGCTTAAGCCCAGGAGGGGAATCAAAGGCCAACTGCAGCCCCGAAGACCCATGCCAA[G>A]AAACAGTGTCCAAACCAGAAGTGAGCAAAGAGGCCACTGCAGACCAGGGGTCCAGGCTGG-3'
Protein context (NP_660282.2, residues 97-117): ANCSPEDPCQ[Glu107Lys]TVSKPEVSKE

ClinVar aggregate classification (germline): Uncertain significance. Review status: criteria provided, multiple submitters, no conflicts (2 of 4 stars). 2 submissions from 2 submitters: Uncertain significance (2). Last evaluated 2022-11-01.

Conditions:
Episodic kinesigenic dyskinesia (EKD). Also called: Paroxysmal kinesigenic dyskinesia. Identifiers: Orphanet 98809, MedGen C1868682, MONDO:0044202.

Submissions (2):

Labcorp Genetics (formerly Invitae), Labcorp
Classification: Uncertain significance for Episodic kinesigenic dyskinesia. Last evaluated: 2022-11-01. Review status: criteria provided, single submitter. Criteria: Invitae Variant Classification Sherloc (09022015). Collection method: clinical testing. Allele origin: germline.
Comment: This variant is not present in population databases (gnomAD no frequency). In summary, the available evidence is currently insufficient to determine the role of this variant in disease. Therefore, it has been classified as a Variant of Uncertain Significance. Advanced modeling of protein sequence and biophysical properties (such as structural, functional, and spatial information, amino acid conservation, physicochemical variation, residue mobility, and thermodynamic stability) performed at Invitae indicates that this missense variant is not expected to disrupt PRRT2 protein function. This variant has not been reported in the literature in individuals affected with PRRT2-related conditions. This sequence change replaces glutamic acid, which is acidic and polar, with lysine, which is basic and polar, at codon 107 of the PRRT2 protein (p.Glu107Lys).

Blueprint Genetics
Classification: Uncertain significance. Last evaluated: 2019-05-30. Review status: criteria provided, single submitter. Criteria: ACMG Guidelines, 2015. Collection method: clinical testing. Allele origin: germline.